The following is an entry in ClinVar:

NM_006268.5(DPF2):c.364C>G (p.Leu122Val)

Gene: DPF2 (double PHD fingers 2; plus strand). Cytogenetic location: 11q13.1.
Variant type: single nucleotide variant.
Coding change: c.364C>G on transcript NM_006268.5 (MANE Select); coding-DNA position 364, C replaced by G.
Protein change: p.Leu122Val; replaces leucine 122 with valine.
Molecular consequence: missense variant.
Genome position (GRCh38, 1-based): chr11:65,341,461, C>G. VCF-style: chr11-65341461-C-G. GRCh37 (hg19) VCF-style: chr11-65108932-C-G.
Other names: c.364C>G, p.Leu122Val (NM_001330308.2); short protein forms L122V.
Identifiers: ClinVar variation 930733 (VCV000930733.3), dbSNP rs1854369385, ClinGen allele CA381250550.

ClinVar aggregate classification (germline): Uncertain significance (1 of 4 stars; one submission).

Conditions:
Coffin-Siris syndrome 7. Identifiers: MedGen C4747954, MONDO:0054831, OMIM 618027.

Submission:

Centre for Mendelian Genomics, University Medical Centre Ljubljana
Classification: Uncertain significance for Coffin-Siris syndrome 7. Last evaluated: 2020-03-30. Review status: criteria provided, single submitter. Criteria: ACMG Guidelines, 2015. Collection method: clinical testing. Allele origin: unknown. Affected: yes.
Comment: This variant was classified as: Uncertain significance. The available evidence on this variant's pathogenicity is insufficient or conflicting. The following ACMG criteria were applied in classifying this variant: PM2,BP4.